The following is an entry in ClinVar:

NM_145290.4(ADGRA3):c.1651G>A (p.Gly551Ser)

Gene: ADGRA3 (adhesion G protein-coupled receptor A3; minus strand). Cytogenetic location: 4p15.2.
Variant type: single nucleotide variant.
Coding change: c.1651G>A on transcript NM_145290.4 (MANE Select); coding-DNA position 1651, G replaced by A.
Protein change: p.Gly551Ser; replaces glycine 551 with serine.
Molecular consequence: missense variant.
Genome position (GRCh38, 1-based): chr4:22,421,044, C>T on the plus strand (G>A on the coding strand, the complement: ADGRA3 is on the minus strand). VCF-style: chr4-22421044-C-T. GRCh37 (hg19) VCF-style: chr4-22422667-C-T.
Other names: short protein forms G551S.
Identifiers: ClinVar variation 1500185 (VCV001500185.8), dbSNP rs774845797, ClinGen allele CA2873885.

ClinVar aggregate classification (germline): Uncertain significance (1 of 4 stars; one submission).

Allele frequency attached by ClinVar (database versions not stated): gnomAD 0.00001; gnomAD exomes 0.00001 and 0.00002; TOPMed 0.00001; ExAC 0.00005.
gnomAD v4.1: 8 of 1,613,890 alleles (0.0005%); highest among the groups gnomAD compares: Non-Finnish European, 0.00068%; no homozygotes.

Submission:

Labcorp Genetics (formerly Invitae), Labcorp
Classification: Uncertain significance. Last evaluated: 2024-03-31. Review status: criteria provided, single submitter. Criteria: Invitae Variant Classification Sherloc (09022015). Collection method: clinical testing. Allele origin: germline.
Comment: This sequence change replaces glycine, which is neutral and non-polar, with serine, which is neutral and polar, at codon 551 of the ADGRA3 protein (p.Gly551Ser). This variant is present in population databases (rs774845797, gnomAD 0.005%). This variant has not been reported in the literature in individuals affected with ADGRA3-related conditions. ClinVar contains an entry for this variant (Variation ID: 1500185). Algorithms developed to predict the effect of missense changes on protein structure and function output the following: SIFT: "Not Available"; PolyPhen-2: "Benign"; Align-GVGD: "Not Available". The serine amino acid residue is found in multiple mammalian species, which suggests that this missense change does not adversely affect protein function. In summary, the available evidence is currently insufficient to determine the role of this variant in disease. Therefore, it has been classified as a Variant of Uncertain Significance.